The following is an entry in ClinVar:

ClinVar aggregate classification (germline): Uncertain significance. Review status: criteria provided, multiple submitters, no conflicts (2 of 4 stars). 3 submissions from 3 submitters: Uncertain significance (3). Last evaluated 2025-05-04.

Conditions:
Hereditary cancer-predisposing syndrome. Also called: Tumor predisposition; Hereditary Cancer Syndrome; Neoplastic Syndromes, Hereditary; Hereditary neoplastic syndrome. Identifiers: Orphanet 140162, MedGen C0027672, MeSH D009386, MONDO:0015356.
Rhabdoid tumor predisposition syndrome 2 (RTPS2). Identifiers: Orphanet 231108, Orphanet 69077, MedGen C2750074, MONDO:0013224, OMIM 613325.

Submissions (3):

Labcorp Genetics (formerly Invitae), Labcorp
Classification: Uncertain significance for Rhabdoid tumor predisposition syndrome 2. Last evaluated: 2025-05-04. Review status: criteria provided, single submitter. Criteria: Invitae Variant Classification Sherloc (09022015). Collection method: clinical testing. Allele origin: germline.
Comment: This sequence change replaces serine, which is neutral and polar, with proline, which is neutral and non-polar, at codon 38 of the SMARCA4 protein (p.Ser38Pro). This variant is not present in population databases (gnomAD no frequency). This variant has not been reported in the literature in individuals affected with SMARCA4-related conditions. ClinVar contains an entry for this variant (Variation ID: 822219). Invitae Evidence Modeling of protein sequence and biophysical properties (such as structural, functional, and spatial information, amino acid conservation, physicochemical variation, residue mobility, and thermodynamic stability) indicates that this missense variant is not expected to disrupt SMARCA4 protein function with a negative predictive value of 95%. In summary, the available evidence is currently insufficient to determine the role of this variant in disease. Therefore, it has been classified as a Variant of Uncertain Significance.

Ambry Genetics
Classification: Uncertain significance for Hereditary cancer-predisposing syndrome. Last evaluated: 2025-02-21. Review status: criteria provided, single submitter. Criteria: Ambry Variant Classification Scheme 2023. Collection method: clinical testing. Allele origin: germline.
Comment: The p.S38P variant (also known as c.112T>C), located in coding exon 1 of the SMARCA4 gene, results from a T to C substitution at nucleotide position 112. The serine at codon 38 is replaced by proline, an amino acid with similar properties. This amino acid position is well conserved in available vertebrate species. In addition, the in silico prediction for this alteration is inconclusive. Since supporting evidence is limited at this time, the clinical significance of this alteration remains unclear.

Baylor Genetics
Classification: Uncertain significance for Rhabdoid tumor predisposition syndrome 2. Last evaluated: 2023-05-14. Review status: criteria provided, single submitter. Criteria: ACMG Guidelines, 2015. Collection method: clinical testing. Allele origin: unknown.

NM_003072.5(SMARCA4):c.112T>C (p.Ser38Pro)

Gene: SMARCA4 (SWI/SNF related BAF chromatin remodeling complex subunit ATPase 4; plus strand). Cytogenetic location: 19p13.2.
Variant type: single nucleotide variant.
Coding change: c.112T>C on transcript NM_003072.5 (MANE Select); coding-DNA position 112, T replaced by C.
Protein change: p.Ser38Pro; replaces serine 38 with proline.
Molecular consequence: missense variant. On other transcripts: non-coding transcript variant (1).
Genome position (GRCh38, 1-based): chr19:10,984,263, T>C. VCF-style: chr19-10984263-T-C. GRCh37 (hg19) VCF-style: chr19-11094939-T-C.
Other names: c.112T>C, p.Ser38Pro (NM_001128844.3, NM_001128845.2, NM_001128846.2 and 4 more transcripts); short protein forms S38P.
Identifiers: ClinVar variation 822219 (VCV000822219.12), dbSNP rs1599929325, ClinGen allele CA404054265.
Genomic context (GRCh38, chr19:10,984,263, plus strand): 5'-CCGGGCCCTGGCCCTTCCCCTGGAGCCATGCTGGGCCCTAGCCCGGGTCCCTCGCCGGGC[T>C]CCGCCCACAGCATGATGGGGCCCAGCCCAGGGCCGCCCTCAGCAGGACACCCCATCCCCA-3'
Protein context (NP_003063.2, residues 28-48): LGPSPGPSPG[Ser38Pro]AHSMMGPSPG